The following is an entry in ClinVar:

ClinVar aggregate classification (germline): Uncertain significance (1 of 4 stars; one submission).

Submission:

Labcorp Genetics (formerly Invitae), Labcorp
Classification: Uncertain significance. Last evaluated: 2022-09-04. Review status: criteria provided, single submitter. Criteria: Invitae Variant Classification Sherloc (09022015). Collection method: clinical testing. Allele origin: germline.
Comment: This sequence change replaces glutamine, which is neutral and polar, with glutamic acid, which is acidic and polar, at codon 335 of the DNM1L protein (p.Gln335Glu). This variant is not present in population databases (gnomAD no frequency). This variant has not been reported in the literature in individuals affected with DNM1L-related conditions. Algorithms developed to predict the effect of missense changes on protein structure and function are either unavailable or do not agree on the potential impact of this missense change (SIFT: "Deleterious"; PolyPhen-2: "Benign"; Align-GVGD: "Class C25"). In summary, the available evidence is currently insufficient to determine the role of this variant in disease. Therefore, it has been classified as a Variant of Uncertain Significance.

NM_012062.5(DNM1L):c.1003C>G (p.Gln335Glu)

Gene: DNM1L (dynamin 1 like; plus strand). Cytogenetic location: 12p11.21.
Variant type: single nucleotide variant.
Coding change: c.1003C>G on transcript NM_012062.5 (MANE Select); coding-DNA position 1003, C replaced by G.
Protein change: p.Gln335Glu; replaces glutamine 335 with glutamic acid.
Molecular consequence: missense variant.
Genome position (GRCh38, 1-based): chr12:32,722,557, C>G. VCF-style: chr12-32722557-C-G. GRCh37 (hg19) VCF-style: chr12-32875491-C-G.
Other names: c.1003C>G, p.Gln335Glu (NM_001278463.2, NM_005690.5, NM_012063.4); c.1042C>G, p.Gln348Glu (NM_001278464.2, NM_001278465.2, NM_001330380.2); c.394C>G, p.Gln132Glu (NM_001278466.2); short protein forms Q132E, Q335E, Q348E.
Identifiers: ClinVar variation 2015639 (VCV002015639.4), dbSNP rs1953856650, ClinGen allele CA384371090.